The following is an entry in ClinVar:

NM_001498.4(GCLC):c.1743C>T (p.Ile581=)

Genes: GCLC-AS1 (GCLC antisense RNA 1; plus strand), GCLC (glutamate-cysteine ligase catalytic subunit; minus strand). Cytogenetic location: 6p12.1.
Variant type: single nucleotide variant.
Coding change: c.1743C>T on transcript NM_001498.4 (MANE Select); coding-DNA position 1743, C replaced by T.
Protein change: p.Ile581=; no amino-acid change (isoleucine 581 retained).
Molecular consequence: synonymous variant.
Genome position (GRCh38, 1-based): chr6:53,498,927, G>A on the plus strand (C>T on the coding strand, the complement: GCLC is on the minus strand). VCF-style: chr6-53498927-G-A. GRCh37 (hg19) VCF-style: chr6-53363725-G-A.
Other names: c.1629C>T, p.Ile543= (NM_001197115.2).
Identifiers: ClinVar variation 788729 (VCV000788729.36), dbSNP rs138321238, ClinGen allele CA3859959.

ClinVar aggregate classification (germline): Likely benign. Review status: criteria provided, multiple submitters, no conflicts (2 of 4 stars). 4 submissions from 4 submitters: Likely benign (4). Last evaluated 2026-01-24.

Allele frequency attached by ClinVar (database versions not stated): ESP Exome Variant Server 0.00138; 1000 Genomes Project 0.00140; gnomAD 0.00156; 1000 Genomes Project 30x 0.00172; TOPMed 0.00195.
gnomAD v4.1: 2,606 of 1,613,036 alleles (0.16%); highest among the groups gnomAD compares: Middle Eastern, 0.38%; 5 homozygotes.

Submissions (4):

Labcorp Genetics (formerly Invitae), Labcorp
Classification: Likely benign. Last evaluated: 2026-01-24. Review status: criteria provided, single submitter. Criteria: Invitae Variant Classification Sherloc (09022015). Collection method: clinical testing. Allele origin: germline.

CeGaT Center for Human Genetics Tuebingen
Classification: Likely benign. Last evaluated: 2025-11-01. Review status: criteria provided, single submitter. Criteria: CeGaT Center For Human Genetics Tuebingen Variant Classification Criteria Version 2. Collection method: clinical testing. Allele origin: germline. Affected: yes. Observed: 2 variant alleles.
Comment: GCLC: BP4, BP7

Blueprint Genetics
Classification: Likely benign. Last evaluated: 2024-11-08. Review status: criteria provided, single submitter. Criteria: ACMG Guidelines, 2015. Collection method: clinical testing. Allele origin: germline.

ARUP Laboratories, Molecular Genetics and Genomics, ARUP Laboratories
Classification: Likely benign. Last evaluated: 2024-08-23. Review status: criteria provided, single submitter. Criteria: ARUP Molecular Germline Variant Investigation Process 2024. Collection method: clinical testing. Allele origin: germline.